The following is an entry in ClinVar:

NM_033380.3(COL4A5):c.955G>A (p.Gly319Ser)

Gene: COL4A5 (collagen type IV alpha 5 chain; plus strand). Cytogenetic location: Xq22.3.
Variant type: single nucleotide variant.
Coding change: c.955G>A on transcript NM_033380.3 (MANE Select); coding-DNA position 955, G replaced by A.
Protein change: p.Gly319Ser; replaces glycine 319 with serine.
Molecular consequence: missense variant.
Genome position (GRCh38, 1-based): chrX:108,582,902, G>A. VCF-style: chrX-108582902-G-A. GRCh37 (hg19) VCF-style: chrX-107826132-G-A.
Other names: c.955G>A, p.Gly319Ser (NM_000495.5); short protein forms G319S.
Identifiers: ClinVar variation 3636312 (VCV003636312.2).

ClinVar aggregate classification (germline): Pathogenic (1 of 4 stars; one submission).

Submission:

Labcorp Genetics (formerly Invitae), Labcorp
Classification: Pathogenic. Last evaluated: 2024-12-03. Review status: criteria provided, single submitter. Criteria: Invitae Variant Classification Sherloc (09022015). Collection method: clinical testing. Allele origin: germline.
Comment: This sequence change replaces glycine, which is neutral and non-polar, with serine, which is neutral and polar, at codon 319 of the COL4A5 protein (p.Gly319Ser). This variant is not present in population databases (gnomAD no frequency). This missense change has been observed in individual(s) with clinical features of Alport syndrome (internal data). Invitae Evidence Modeling of protein sequence and biophysical properties (such as structural, functional, and spatial information, amino acid conservation, physicochemical variation, residue mobility, and thermodynamic stability) indicates that this missense variant is expected to disrupt COL4A5 protein function with a positive predictive value of 95%. This variant disrupts the triple helix domain of COL4A5. Glycine residues within the Gly-Xaa-Yaa repeats of the triple helix domain are required for the structure and stability of fibrillar collagens (PMID: 7695699, 8218237, 19344236). In COL4A5, missense variants at these glycine residues are significantly enriched in individuals with disease (PMID: 23720012, 27627812) compared to the general population (ExAC). This variant disrupts the p.Gly319 amino acid residue in COL4A5. Other variant(s) that disrupt this residue have been observed in individuals with COL4A5-related conditions (PMID: 10684360, 15942778), which suggests that this may be a clinically significant amino acid residue. For these reasons, this variant has been classified as Pathogenic.

Literature cited by the submitters: PubMed 7695699; PubMed 8218237; PubMed 19344236; PubMed 23720012; PubMed 27627812; PubMed 10684360; PubMed 15942778.